The following is an entry in ClinVar:

NM_019066.5(MAGEL2):c.2992A>G (p.Ser998Gly)

Gene: MAGEL2 (MAGE family member L2; minus strand). Cytogenetic location: 15q11.2.
Variant type: single nucleotide variant.
Coding change: c.2992A>G on transcript NM_019066.5 (MANE Select); coding-DNA position 2992, A replaced by G.
Protein change: p.Ser998Gly; replaces serine 998 with glycine.
Molecular consequence: missense variant.
Genome position (GRCh38, 1-based): chr15:23,644,751, T>C on the plus strand (A>G on the coding strand, the complement: MAGEL2 is on the minus strand). VCF-style: chr15-23644751-T-C. GRCh37 (hg19) VCF-style: chr15-23889898-T-C.
Other names: c.2992A>G (NM_019066.4); short protein forms S998G.
Identifiers: ClinVar variation 2829230 (VCV002829230.4), dbSNP rs2503975482, ClinGen allele CA391326701.

ClinVar aggregate classification (germline): Uncertain significance. Review status: criteria provided, single submitter (1 of 4 stars). 2 submissions from 2 submitters: Uncertain significance (1). 1 of the submissions does not count toward it. Last evaluated 2024-04-14.

Conditions:
MAGEL2-related disorder. Also called: MAGEL2-related condition.

Allele frequency attached by ClinVar (database versions not stated): gnomAD exomes below 0.00001.

Submissions (2):

Labcorp Genetics (formerly Invitae), Labcorp
Classification: Uncertain significance. Last evaluated: 2024-04-14. Review status: criteria provided, single submitter. Criteria: Invitae Variant Classification Sherloc (09022015). Collection method: clinical testing. Allele origin: germline.
Comment: This sequence change replaces serine, which is neutral and polar, with glycine, which is neutral and non-polar, at codon 998 of the MAGEL2 protein (p.Ser998Gly). This variant is not present in population databases (gnomAD no frequency). This variant has not been reported in the literature in individuals affected with MAGEL2-related conditions. Advanced modeling of protein sequence and biophysical properties (such as structural, functional, and spatial information, amino acid conservation, physicochemical variation, residue mobility, and thermodynamic stability) performed at Invitae indicates that this missense variant is not expected to disrupt MAGEL2 protein function with a negative predictive value of 80%. In summary, the available evidence is currently insufficient to determine the role of this variant in disease. Therefore, it has been classified as a Variant of Uncertain Significance.

PreventionGenetics, part of Exact Sciences
Classification: Uncertain significance for MAGEL2-related condition. Last evaluated: 2024-08-23. Review status: no assertion criteria provided. Collection method: clinical testing. Allele origin: germline. Not counted in ClinVar's aggregate classification.
Comment: The MAGEL2 c.2992A>G variant is predicted to result in the amino acid substitution p.Ser998Gly. To our knowledge, this variant has not been reported in the literature or in a large population database, indicating this variant is rare. At this time, the clinical significance of this variant is uncertain due to the absence of conclusive functional and genetic evidence.